The following is an entry in ClinVar:

NM_001165963.4(SCN1A):c.3614G>A (p.Trp1205Ter)

Genes: SCN1A (sodium voltage-gated channel alpha subunit 1; minus strand), LOC102724058 (uncharacterized LOC102724058; plus strand). Cytogenetic location: 2q24.3.
Variant type: single nucleotide variant.
Coding change: c.3614G>A on transcript NM_001165963.4 (MANE Select); coding-DNA position 3614, G replaced by A.
Protein change: p.Trp1205Ter; replaces tryptophan 1205 with a stop codon.
Molecular consequence: nonsense. On other transcripts: non-coding transcript variant (1).
Genome position (GRCh38, 1-based): chr2:166,013,835, C>T on the plus strand (G>A on the coding strand, the complement: SCN1A is on the minus strand). VCF-style: chr2-166013835-C-T. GRCh37 (hg19) VCF-style: chr2-166870345-C-T.
Other names: c.3530G>A, p.Trp1177Ter (NM_001165964.3, NM_001353957.2, NM_001353958.2); c.3614G>A, p.Trp1205Ter (NM_001202435.3, NM_001353948.2); c.3581G>A, p.Trp1194Ter (NM_001353949.2, NM_001353950.2, NM_001353951.2 and 2 more transcripts); c.3578G>A, p.Trp1193Ter (NM_001353954.2, NM_001353955.2); c.3527G>A, p.Trp1176Ter (NM_001353960.2); c.1172G>A, p.Trp391Ter (NM_001353961.2); short protein forms W1176*, W1194*, W391*, W1193*, W1177*, W1205*.
Identifiers: ClinVar variation 1421037 (VCV001421037.7), dbSNP rs2105610895, ClinGen allele CA349056142.

ClinVar aggregate classification (germline): Pathogenic (1 of 4 stars; one submission).

Conditions:
Early-infantile DEE. Also called: Ohtahara syndrome; Early infantile epileptic encephalopathy with suppression bursts; Early infantile epileptic encephalopathy. Identifiers: Orphanet 1934, MedGen C0393706, MONDO:0800491.

Submission:

Labcorp Genetics (formerly Invitae), Labcorp
Classification: Pathogenic for Early-infantile DEE. Last evaluated: 2022-12-06. Review status: criteria provided, single submitter. Criteria: Invitae Variant Classification Sherloc (09022015). Collection method: clinical testing. Allele origin: germline.
Comment: For these reasons, this variant has been classified as Pathogenic. ClinVar contains an entry for this variant (Variation ID: 1421037). This premature translational stop signal has been observed in individual(s) with Dravet syndrome (PMID: 31864146). This variant is not present in population databases (gnomAD no frequency). This sequence change creates a premature translational stop signal (p.Trp1205*) in the SCN1A gene. It is expected to result in an absent or disrupted protein product. Loss-of-function variants in SCN1A are known to be pathogenic (PMID: 17347258, 18930999).

Literature cited by the submitters: PubMed 31864146; PubMed 17347258; PubMed 18930999.